The following is an entry in ClinVar:

NM_004646.4(NPHS1):c.3315G>A (p.Ser1105=)

Gene: NPHS1 (NPHS1 adhesion molecule, nephrin; minus strand). Cytogenetic location: 19q13.12.
Variant type: single nucleotide variant.
Coding change: c.3315G>A on transcript NM_004646.4 (MANE Select); coding-DNA position 3315, G replaced by A.
Protein change: p.Ser1105=; no amino-acid change (serine 1105 retained).
Molecular consequence: synonymous variant.
Genome position (GRCh38, 1-based): chr19:35,831,368, C>T on the plus strand (G>A on the coding strand, the complement: NPHS1 is on the minus strand). VCF-style: chr19-35831368-C-T. GRCh37 (hg19) VCF-style: chr19-36322270-C-T.
Other names: p.Ser1105=.
Identifiers: ClinVar variation 259497 (VCV000259497.25), dbSNP rs2071327, ClinGen allele CA9389800.

ClinVar aggregate classification (germline): Benign. Review status: criteria provided, multiple submitters, no conflicts (2 of 4 stars). 13 submissions from 13 submitters: Benign (10). 3 of the submissions do not count toward it. Last evaluated 2026-02-04.

Conditions:
Finnish congenital nephrotic syndrome (NPHS1). Also called: NEPHROTIC SYNDROME, TYPE 1. Identifiers: Orphanet 839, MedGen C0403399, MONDO:0009732, OMIM 256300.
Congenital nephrotic syndrome. Also called: Familial nephrotic syndrome. Identifiers: MedGen C3501848, MeSH C535761, MONDO:0002350, HP:0008677.

Allele frequency attached by ClinVar (database versions not stated): ESP Exome Variant Server 0.28987; TOPMed 0.30781; gnomAD 0.31318 and 0.32227; 1000 Genomes Project 30x 0.35556; 1000 Genomes Project 0.36761; gnomAD exomes 0.38560 and 0.39978; ExAC 0.39230.
gnomAD v4.1: 612,169 of 1,613,270 alleles (38%); highest among the groups gnomAD compares: East Asian, 66%; 122,372 homozygotes.

Submissions (13):

Labcorp Genetics (formerly Invitae), Labcorp
Classification: Benign. Last evaluated: 2026-02-04. Review status: criteria provided, single submitter. Criteria: Invitae Variant Classification Sherloc (09022015). Collection method: clinical testing. Allele origin: germline.

Blueprint Genetics
Classification: Benign. Last evaluated: 2024-11-28. Review status: criteria provided, single submitter. Criteria: ACMG Guidelines, 2015. Collection method: clinical testing. Allele origin: germline.

Unidad de Genómica Garrahan, Hospital de Pediatría Garrahan
Classification: Benign. Last evaluated: 2024-07-15. Review status: criteria provided, single submitter. Criteria: ACMG Guidelines, 2015. Collection method: clinical testing. Allele origin: germline. Affected: no. Observed: 60 variant alleles.
Comment: This variant is classified as Benign based on local population frequency. This variant was detected in 65% of patients studied in a panel designed for Epileptic and Developmental Encephalopathy and Progressive Myoclonus Epilepsy. Number of patients: 60. Only high quality variants are reported.

Mayo Clinic Laboratories, Mayo Clinic
Classification: Benign. Last evaluated: 2022-11-14. Review status: criteria provided, single submitter. Criteria: ACMG Guidelines, 2015. Collection method: clinical testing. Allele origin: germline. Observed: 82 variant alleles.
Comment: BA1

Genome-Nilou Lab
Classification: Benign for Finnish congenital nephrotic syndrome. Last evaluated: 2021-06-10. Review status: criteria provided, single submitter. Criteria: ACMG Guidelines, 2015. Collection method: clinical testing. Allele origin: germline. Affected: no.

GeneDx
Classification: Benign. Last evaluated: 2018-01-24. Review status: criteria provided, single submitter. Criteria: GeneDx Variant Classification (06012015). Collection method: clinical testing. Allele origin: germline. Affected: yes.
Comment: This variant is considered likely benign or benign based on one or more of the following criteria: it is a conservative change, it occurs at a poorly conserved position in the protein, it is predicted to be benign by multiple in silico algorithms, and/or has population frequency not consistent with disease.

Illumina Laboratory Services, Illumina
Classification: Benign for Congenital nephrotic syndrome. Last evaluated: 2018-01-13. Review status: criteria provided, single submitter. Criteria: ICSL Variant Classification Criteria 13 December 2019. Collection method: clinical testing. Allele origin: germline.
Comment: This variant was observed in the ICSL laboratory as part of a predisposition screen in an ostensibly healthy population. It had not been previously curated by ICSL or reported in the Human Gene Mutation Database (HGMD: prior to June 1st, 2018), and was therefore a candidate for classification through an automated scoring system. Utilizing variant allele frequency, disease prevalence and penetrance estimates, and inheritance mode, an automated score was calculated to assess if this variant is too frequent to cause the disease. Based on the score and internal cut-off values, a variant classified as benign is not then subjected to further curation. The score for this variant resulted in a classification of benign for this disease.

Athena Diagnostics
Classification: Benign for Finnish congenital nephrotic syndrome. Last evaluated: 2017-04-28. Review status: criteria provided, single submitter. Criteria: Athena Diagnostics Criteria. Collection method: clinical testing. Allele origin: germline.

Breakthrough Genomics
Classification: Benign. Review status: criteria provided, single submitter. Criteria: ACMG Guidelines, 2015. Collection method: not provided. Allele origin: germline. Inheritance: Autosomal recessive inheritance. Affected: yes.

PreventionGenetics, part of Exact Sciences
Classification: Benign. Review status: criteria provided, single submitter. Criteria: ACMG Guidelines, 2015. Collection method: clinical testing. Allele origin: germline.

Natera, Inc.
Classification: Benign for Finnish congenital nephrotic syndrome. Last evaluated: 2020-09-16. Review status: no assertion criteria provided. Collection method: clinical testing. Allele origin: germline. Not counted in ClinVar's aggregate classification.

Genome Diagnostics Laboratory, University Medical Center Utrecht
Classification: Benign. Review status: no assertion criteria provided. Collection method: clinical testing. Allele origin: germline. Affected: yes. Study: VKGL Data-share Consensus. Not counted in ClinVar's aggregate classification.

Joint Genome Diagnostic Labs from Nijmegen and Maastricht, Radboudumc and MUMC+
Classification: Benign. Review status: no assertion criteria provided. Collection method: clinical testing. Allele origin: germline. Affected: yes. Study: VKGL Data-share Consensus. Not counted in ClinVar's aggregate classification.